The following is an entry in ClinVar:

ClinVar aggregate classification (germline): Conflicting classifications of pathogenicity. Review status: criteria provided, conflicting classifications (1 of 4 stars). 5 submissions from 5 submitters: Uncertain significance (4); Likely benign (1). Last evaluated 2025-10-17.

Conditions:
Bethlem myopathy 1A. Also called: Bethlem Muscular Dystrophy; Bethlem myopathy 1; MYOPATHY, BENIGN CONGENITAL, WITH CONTRACTURES. Identifiers: Orphanet 610, MedGen CN029274, MONDO:0024530, OMIM 158810.

Allele frequency attached by ClinVar (database versions not stated): ExAC 0.00006; gnomAD exomes 0.00007; ESP Exome Variant Server 0.00015; gnomAD 0.00019; TOPMed 0.00019.
gnomAD v4.1: 75 of 1,614,072 alleles (0.0046%); highest among the groups gnomAD compares: African/African-American, 0.063%; no homozygotes.

Submissions (5):

Labcorp Genetics (formerly Invitae), Labcorp
Classification: Likely benign for Bethlem myopathy 1A. Last evaluated: 2025-10-17. Review status: criteria provided, single submitter. Criteria: Invitae Variant Classification Sherloc (09022015). Collection method: clinical testing. Allele origin: germline.

Revvity Omics, Revvity
Classification: Uncertain significance. Last evaluated: 2024-01-30. Review status: criteria provided, single submitter. Criteria: ACMG Guidelines, 2015. Collection method: clinical testing. Allele origin: germline.

Blueprint Genetics
Classification: Uncertain significance. Last evaluated: 2024-01-04. Review status: criteria provided, single submitter. Criteria: ACMG Guidelines, 2015. Collection method: clinical testing. Allele origin: germline.

MGZ Medical Genetics Center
Classification: Uncertain significance for Bethlem myopathy 1A. Last evaluated: 2021-08-26. Review status: criteria provided, single submitter. Criteria: ACMG Guidelines, 2015. Collection method: clinical testing. Allele origin: germline. Affected: yes. Observed: 1 variant allele.
Comment: ACMG criteria applied: PM2_SUP

GeneDx
Classification: Uncertain significance. Last evaluated: 2019-04-01. Review status: criteria provided, single submitter. Criteria: GeneDx Variant Classification Process June 2021. Collection method: clinical testing. Allele origin: germline. Affected: yes.
Comment: In silico analysis, which includes protein predictors and evolutionary conservation, supports that this variant does not alter protein structure/function; Has not been previously published as pathogenic or benign to our knowledge

NM_004369.4(COL6A3):c.3556G>A (p.Val1186Met)

Gene: COL6A3 (collagen type VI alpha 3 chain; minus strand). Cytogenetic location: 2q37.3.
Variant type: single nucleotide variant.
Coding change: c.3556G>A on transcript NM_004369.4 (MANE Select); coding-DNA position 3556, G replaced by A.
Protein change: p.Val1186Met; replaces valine 1186 with methionine.
Molecular consequence: missense variant.
Genome position (GRCh38, 1-based): chr2:237,374,535, C>T on the plus strand (G>A on the coding strand, the complement: COL6A3 is on the minus strand). VCF-style: chr2-237374535-C-T. GRCh37 (hg19) VCF-style: chr2-238283178-C-T.
Other names: c.2335G>A, p.Val779Met (NM_057164.5); c.2938G>A, p.Val980Met (NM_057165.5, NM_057167.4); c.1735G>A, p.Val579Met (NM_057166.5); short protein forms V1186M, V579M, V980M, V779M.
Identifiers: ClinVar variation 576141 (VCV000576141.16), dbSNP rs144976132, ClinGen allele CA2189144.